The following is an entry in ClinVar:

NM_000321.3(RB1):c.539+1G>A

Gene: RB1 (RB transcriptional corepressor 1; plus strand). Cytogenetic location: 13q14.2.
Variant type: single nucleotide variant.
Coding change: c.539+1G>A on transcript NM_000321.3 (MANE Select); the canonical splice donor site of the intron after coding-DNA position 539, G replaced by A.
Molecular consequence: splice donor variant.
Genome position (GRCh38, 1-based): chr13:48,347,864, G>A. VCF-style: chr13-48347864-G-A. GRCh37 (hg19) VCF-style: chr13-48922000-G-A.
Other names: c.539+1G>A (NM_001407165.1, NM_001407166.1).
Identifiers: ClinVar variation 579207 (VCV000579207.39), dbSNP rs1566187856, ClinGen allele CA388156866.

ClinVar aggregate classification (germline): Likely pathogenic. Review status: criteria provided, multiple submitters, no conflicts (2 of 4 stars). 7 submissions from 7 submitters: Likely pathogenic (6). 1 of the submissions does not count toward it. Last evaluated 2025-11-18.

Conditions:
Hereditary cancer-predisposing syndrome. Also called: Neoplastic Syndromes, Hereditary; Tumor predisposition; Hereditary neoplastic syndrome; Hereditary Cancer Syndrome. Identifiers: Orphanet 140162, MedGen C0027672, MeSH D009386, MONDO:0015356.
Retinoblastoma (RB1). Also called: RETINOBLASTOMA, SOMATIC. Identifiers: Orphanet 790, MedGen C0035335, MeSH D012175, MONDO:0008380, OMIM 180200, HP:0009919. Disease mechanism: loss of function. Inheritance: Both sporadic and heritable forms are tested..
Malignant tumor of urinary bladder. Also called: Bladder cancer; Urinary bladder cancer; Urinary Bladder Neoplasms. Identifiers: MedGen C0005684, MONDO:0001187, OMIM 109800.

Allele frequency attached by ClinVar (database versions not stated): TOPMed below 0.00001.

Submissions (8):

Ambry Genetics
Classification: Likely pathogenic for Hereditary cancer-predisposing syndrome. Last evaluated: 2025-11-18. Review status: criteria provided, single submitter. Criteria: Ambry Variant Classification Scheme 2023. Collection method: clinical testing. Allele origin: germline.
Comment: The c.539+1G>A intronic variant results from a G to A substitution one nucleotide after coding exon 5 of the RB1 gene. Alterations that disrupt the canonical splice site are expected to result in aberrant splicing. In silico splice site analysis predicts that this alteration will weaken the native splice donor site. This alteration has been shown to result in in-frame skipping of coding exon 5 and is not expected to trigger nonsense-mediated mRNA decay (S&aacute;nchez F et al. J. Med. Genet., 2000 Aug;37:615-20; Ambry internal data). This variant has been identified in multiple individuals diagnosed with unilateral retinoblastoma (S&aacute;nchez F et al. J. Med. Genet., 2000 Aug;37:615-20; Chai P et al. Exp Eye Res, 2021 Apr;205:108456; Singh J et al. Mol Vis, 2016 Aug;22:1036-47). In addition, this variant has been observed in individuals with no personal or family history of retinoblastoma and in two individuals with a family history of sarcoma (Ambry internal data) and one individual with personal history of osteosarcoma (personal communication). These data suggest that this variant may have reduced penetrance. This variant is considered to be rare based on population cohorts in the Genome Aggregation Database (gnomAD). This nucleotide position is highly conserved in available vertebrate species. Based on the majority of available evidence to date, this variant is likely to be pathogenic, but is known to have reduced penetrance.

Labcorp Genetics (formerly Invitae), Labcorp
Classification: Likely pathogenic for Retinoblastoma. Last evaluated: 2025-11-03. Review status: criteria provided, single submitter. Criteria: Invitae Variant Classification Sherloc (09022015). Collection method: clinical testing. Allele origin: germline.
Comment: This sequence change affects a donor splice site in intron 5 of the RB1 gene. RNA analysis indicates that disruption of this splice site induces altered splicing and likely results in a shortened protein product. This variant is not present in population databases (gnomAD no frequency). Disruption of this splice site has been observed in individual(s) with retinoblastoma as well as in unaffected family members, suggesting this may be a low penetrance variant (PMID: 10991691, 27582626, 33493472, 37937776). ClinVar contains an entry for this variant (Variation ID: 579207). Studies have shown that disruption of this splice site results in skipping of exon 5, but is expected to preserve the integrity of the reading-frame (PMID: 10991691). In summary, the currently available evidence indicates that the variant is pathogenic, but additional data are needed to prove that conclusively. Therefore, this variant has been classified as Likely Pathogenic.

GeneDx
Classification: Likely pathogenic. Last evaluated: 2025-03-18. Review status: criteria provided, single submitter. Criteria: GeneDx Variant Classification Process June 2021. Collection method: clinical testing. Allele origin: germline. Affected: yes.
Comment: Canonical splice site variant shown to result in an in-frame loss of the adjacent exon in a gene for which loss of function is a known mechanism of disease (PMID: 10991691); Observed in individuals with retinoblastoma, as well as in unaffected relatives (PMID: 33493472, 10991691); Not observed at significant frequency in large population cohorts (gnomAD); This variant is associated with the following publications: (PMID: 25525159, 27582626, 31568710, 23516486, 27906792, 10991691, 37937776, 33493472)

Mayo Clinic Laboratories, Mayo Clinic
Classification: Likely pathogenic. Last evaluated: 2024-08-27. Review status: criteria provided, single submitter. Criteria: ACMG Guidelines, 2015. Collection method: clinical testing. Allele origin: germline. Observed: 1 variant allele.
Comment: PP4, PM2, PVS1_strong

Baylor Genetics
Classification: Likely pathogenic for Malignant tumor of urinary bladder. Last evaluated: 2024-03-15. Review status: criteria provided, single submitter. Criteria: ACMG Guidelines, 2015. Collection method: clinical testing. Allele origin: unknown.

Women's Health and Genetics/Laboratory Corporation of America, LabCorp
Classification: Likely pathogenic for Retinoblastoma. Last evaluated: 2022-06-13. Review status: criteria provided, single submitter. Criteria: LabCorp Variant Classification Summary - May 2015. Collection method: clinical testing. Allele origin: germline.
Comment: Variant summary: RB1 c.539+1G>A is located in a canonical splice-site and is predicted to affect mRNA splicing resulting in a significantly altered protein due to either exon skipping, shortening, or inclusion of intronic material. Several computational tools predict a significant impact on normal splicing: Three predict the variant abolishes the canonical 5' splicing donor site. However, these predictions have yet to be confirmed by functional studies. The variant was absent in 248194 control chromosomes (gnomAD). In this case, the affected individual exhibited mosiasm comprising heterozygosity and homozygosity as the result of duplication of the paternal allele. RNA analysis demonstrated the in-frame skipping of exon 5 and the authors suggested c.539+1G>A is likely a variant with low penetrance (Sanchez_2000). It has been reported in the literature in other heterozygous individuals affected with retinoblastoma, also without strong evidence of high penetrance (example Singh_2016, Chai_2021). Two clinical diagnostic laboratories have submitted clinical-significance assessments for this variant to ClinVar after 2014 and both classified the variant as likely pathogenic. Based on the evidence outlined above, the variant was classified as likely pathogenic.

deCODE genetics, Amgen
Classification: Likely pathogenic for Retinoblastoma. Last evaluated: 2023-07-21. Review status: no assertion criteria provided. Collection method: research. Allele origin: germline. Affected: yes. Observed: 7 variant alleles. Not counted in ClinVar's aggregate classification.
Comment: The variant NM_000321.3:c.539+1G>A (chr13:48347864) in RB1 was detected in 1 heterozygote out of 58K WGS Icelanders (MAF= 0,001%). This variant has been reported in ClinVar previously as pathogenic. Based on ACMG criteria (PVS1, PM2) this variant classifies as likely pathogenic.

Dr. Peter K. Rogan Lab, Western University
No classification provided (evidence only). Condition: Colon adenocarcinoma. Review status: no classification provided. Collection method: in vitro. Allele origin: not applicable. Functional consequence: skipped exon. Not counted in ClinVar's aggregate classification.

Literature cited by the submitters: PubMed 10991691 (cited by 4 submitters); PubMed 27582626 (cited by 4 submitters); PubMed 27906792 (cited by Ambry Genetics); PubMed 31568710 (cited by Ambry Genetics); PubMed 33493472 (cited by 4 submitters); PubMed 37937776 (cited by Labcorp Genetics (formerly Invitae), Labcorp).